The following is an entry in ClinVar:

NM_005422.4(TECTA):c.1812C>T (p.Ser604=)

Genes: TBCEL-TECTA (TBCEL-TECTA readthrough; plus strand), TECTA (tectorin alpha; plus strand). Cytogenetic location: 11q23.3.
Variant type: single nucleotide variant.
Coding change: c.1812C>T on transcript NM_005422.4 (MANE Select); coding-DNA position 1812, C replaced by T.
Protein change: p.Ser604=; no amino-acid change (serine 604 retained).
Molecular consequence: synonymous variant.
Genome position (GRCh38, 1-based): chr11:121,127,789, C>T. VCF-style: chr11-121127789-C-T. GRCh37 (hg19) VCF-style: chr11-120998498-C-T.
Other names: c.2769C>T, p.Ser923= (NM_001378761.1).
Identifiers: ClinVar variation 165353 (VCV000165353.29), dbSNP rs138914618, ClinGen allele CA178089.

ClinVar aggregate classification (germline): Benign/Likely benign. Review status: criteria provided, multiple submitters, no conflicts (2 of 4 stars). 7 submissions from 7 submitters: Benign (3); Likely benign (4). Last evaluated 2026-01-27.

Allele frequency attached by ClinVar (database versions not stated): gnomAD exomes 0.00016 and 0.00042; ExAC 0.00050; gnomAD 0.00187 and 0.00207; TOPMed 0.00210; ESP Exome Variant Server 0.00215; 1000 Genomes Project 0.00220; 1000 Genomes Project 30x 0.00234.
gnomAD v4.1: 531 of 1,614,186 alleles (0.033%); highest among the groups gnomAD compares: African/African-American, 0.61%; 2 homozygotes.

Submissions (7):

Labcorp Genetics (formerly Invitae), Labcorp
Classification: Benign. Last evaluated: 2026-01-27. Review status: criteria provided, single submitter. Criteria: Invitae Variant Classification Sherloc (09022015). Collection method: clinical testing. Allele origin: germline.

CeGaT Center for Human Genetics Tuebingen
Classification: Likely benign. Last evaluated: 2025-09-01. Review status: criteria provided, single submitter. Criteria: CeGaT Center For Human Genetics Tuebingen Variant Classification Criteria Version 2. Collection method: clinical testing. Allele origin: germline. Affected: yes. Observed: 1 variant allele.
Comment: TECTA: BP4, BP7

Blueprint Genetics
Classification: Likely benign. Last evaluated: 2024-05-21. Review status: criteria provided, single submitter. Criteria: ACMG Guidelines, 2015. Collection method: clinical testing. Allele origin: germline.

GeneDx
Classification: Likely benign. Last evaluated: 2021-11-13. Review status: criteria provided, single submitter. Criteria: GeneDx Variant Classification Process June 2021. Collection method: clinical testing. Allele origin: germline. Affected: yes.
Comment: Nucleotide substitution has no predicted effect on splicing and is not conserved across species

Athena Diagnostics
Classification: Likely benign. Last evaluated: 2018-05-29. Review status: criteria provided, single submitter. Criteria: Athena Diagnostics Criteria. Collection method: clinical testing. Allele origin: germline.

Eurofins Ntd Llc (ga)
Classification: Benign. Last evaluated: 2017-11-15. Review status: criteria provided, single submitter. Criteria: EGL Classification Definitions 2015. Collection method: clinical testing. Allele origin: germline. Observed: 1 variant allele, 1 heterozygote.

Laboratory for Molecular Medicine, Mass General Brigham Personalized Medicine
Classification: Benign. Last evaluated: 2012-04-30. Review status: criteria provided, single submitter. Criteria: LMM Criteria. Collection method: clinical testing. Allele origin: germline. Observed: 4 variant alleles.
Comment: Ser604Ser in Exon 08 of TECTA: This variant is not expected to have clinical sig nificance because it does not alter an amino acid residue, is not located within the splice consensus sequence, and has been identified in 0.7% (26/3738) of Afr ican American chromosomes from a broad population by the NHLBI Exome Sequencing Project (dbSNP rs138914618).